The following is an entry in ClinVar:

NM_003705.5(SLC25A12):c.893G>A (p.Gly298Glu)

Gene: SLC25A12 (solute carrier family 25 member 12; minus strand). Cytogenetic location: 2q31.1.
Variant type: single nucleotide variant.
Coding change: c.893G>A on transcript NM_003705.5 (MANE Select); coding-DNA position 893, G replaced by A.
Protein change: p.Gly298Glu; replaces glycine 298 with glutamic acid.
Molecular consequence: missense variant. On other transcripts: non-coding transcript variant (1).
Genome position (GRCh38, 1-based): chr2:171,826,835, C>T on the plus strand (G>A on the coding strand, the complement: SLC25A12 is on the minus strand). VCF-style: chr2-171826835-C-T. GRCh37 (hg19) VCF-style: chr2-172683345-C-T.
Other names: short protein forms G298E.
Identifiers: ClinVar variation 859165 (VCV000859165.8), dbSNP rs368437273, ClinGen allele CA1966276.

ClinVar aggregate classification (germline): Uncertain significance (1 of 4 stars; one submission).

Allele frequency attached by ClinVar (database versions not stated): gnomAD exomes below 0.00001; ExAC 0.00001; gnomAD 0.00001; TOPMed 0.00001; ESP Exome Variant Server 0.00008.
gnomAD v4.1: 11 of 1,610,636 alleles (0.00068%); highest among the groups gnomAD compares: African/African-American, 0.0013%; no homozygotes.

Submission:

Labcorp Genetics (formerly Invitae), Labcorp
Classification: Uncertain significance. Last evaluated: 2022-09-27. Review status: criteria provided, single submitter. Criteria: Invitae Variant Classification Sherloc (09022015). Collection method: clinical testing. Allele origin: germline.
Comment: This sequence change replaces glycine, which is neutral and non-polar, with glutamic acid, which is acidic and polar, at codon 298 of the SLC25A12 protein (p.Gly298Glu). This variant is present in population databases (rs368437273, gnomAD 0.007%). This variant has not been reported in the literature in individuals affected with SLC25A12-related conditions. ClinVar contains an entry for this variant (Variation ID: 859165). Advanced modeling of protein sequence and biophysical properties (such as structural, functional, and spatial information, amino acid conservation, physicochemical variation, residue mobility, and thermodynamic stability) performed at Invitae indicates that this missense variant is not expected to disrupt SLC25A12 protein function. In summary, the available evidence is currently insufficient to determine the role of this variant in disease. Therefore, it has been classified as a Variant of Uncertain Significance.